The following is an entry in ClinVar:

NM_000257.4(MYH7):c.1193G>A (p.Gly398Glu)

Gene: MYH7 (myosin heavy chain 7; minus strand). Cytogenetic location: 14q11.2.
Variant type: single nucleotide variant.
Coding change: c.1193G>A on transcript NM_000257.4 (MANE Select); coding-DNA position 1193, G replaced by A.
Protein change: p.Gly398Glu; replaces glycine 398 with glutamic acid.
Molecular consequence: missense variant.
Genome position (GRCh38, 1-based): chr14:23,429,293, C>T on the plus strand (G>A on the coding strand, the complement: MYH7 is on the minus strand). VCF-style: chr14-23429293-C-T. GRCh37 (hg19) VCF-style: chr14-23898502-C-T.
Other names: NM_000257.4(MYH7):c.1193G>A; p.Gly398Glu; c.1193G>A (LRG_384t1); short protein forms G398E.
Identifiers: ClinVar variation 180434 (VCV000180434.10), dbSNP rs730880158, ClinGen allele CA010341.

ClinVar aggregate classification (germline): Uncertain significance. Review status: reviewed by expert panel (3 of 4 stars). 2 submissions from 2 submitters: Uncertain significance (1). 1 of the submissions does not count toward it. Last evaluated 2021-10-01.

Conditions:
Hypertrophic cardiomyopathy. Also called: HYPERTROPHIC MYOCARDIOPATHY. Identifiers: Orphanet 217569, MedGen C0007194, MeSH D002312, MONDO:0005045, HP:0001639.

Allele frequency attached by ClinVar (database versions not stated): gnomAD exomes 0.00001; gnomAD 0.00002.
gnomAD v4.1: 8 of 1,614,076 alleles (0.0005%); highest among the groups gnomAD compares: South Asian, 0.0022%; no homozygotes.

Submissions (2):

ClinGen Cardiomyopathy Variant Curation Expert Panel
Classification: Uncertain significance for Hypertrophic cardiomyopathy. Last evaluated: 2021-10-01. Review status: reviewed by expert panel. Criteria: ClinGen CMP ACMG Specifications v1. Collection method: curation. Allele origin: germline. Inheritance: Autosomal dominant inheritance.
Comment: The NM_000257.4(MYH7):c.1193G>A (p.Gly398Glu) variant has been identified in at least 4 individuals with HCM (Olivotto 2008 PMID:18533079; Homburger 2016 PMID:27247428; Invitae pers. comm.). This variant has been identified in 0.00524% (FAF 95% CI; 3/15414) of European chromosomes in genomes only by gnomAD v2.1.1, which is too high to apply PM2. However, this represents only a fraction of the total European chromosomes, suggesting low coverage at this locus. Therefore, data from large population studies are insufficient to assess the frequency of this variant. Since the MYH7 specifications state that PS4 is only applicable if the variant is absent or rare in large population studies, the PS4 criterion was not applied (Kelly 2018 PMID:29300372). This variant lies in the head region of the protein (aa 181-937) and missense variants in this region are statistically more likely to be associated with HCM (PM1; Walsh 2017 PMID:27532257). Computational prediction tools and conservation analysis were mixed about the potential impact of this variant. In summary, due to insufficient evidence, this variant is classified as uncertain significance for hypertrophic cardiomyopathy in an autosomal dominant manner. MYH7-specific ACMG/AMP criteria applied (Kelly 2018 PMID:29300372): PM1

Labcorp Genetics (formerly Invitae), Labcorp
Classification: Likely pathogenic for Hypertrophic cardiomyopathy. Last evaluated: 2023-10-18. Review status: criteria provided, single submitter. Criteria: Invitae Variant Classification Sherloc (09022015). Collection method: clinical testing. Allele origin: germline. Not counted in ClinVar's aggregate classification.
Comment: This sequence change replaces glycine, which is neutral and non-polar, with glutamic acid, which is acidic and polar, at codon 398 of the MYH7 protein (p.Gly398Glu). This variant is present in population databases (rs730880158, gnomAD 0.02%). This missense change has been observed in individuals with hypertrophic cardiomyopathy (PMID: 18533079, 27247418; Invitae). ClinVar contains an entry for this variant (Variation ID: 180434). Advanced modeling of protein sequence and biophysical properties (such as structural, functional, and spatial information, amino acid conservation, physicochemical variation, residue mobility, and thermodynamic stability) performed at Invitae indicates that this missense variant is expected to disrupt MYH7 protein function. This variant is found within a region of MYH7 between codons 181 and 937 that contains the majority of the myosin head domain. Missense variants in this region have been shown to be significantly overrepresented in individuals with hypertrophic cardiomyopathy (PMID: 27532257). In summary, the currently available evidence indicates that the variant is pathogenic, but additional data are needed to prove that conclusively. Therefore, this variant has been classified as Likely Pathogenic.

Literature cited by the submitters: PubMed 18533079 (cited by Labcorp Genetics (formerly Invitae), Labcorp); PubMed 27247418 (cited by Labcorp Genetics (formerly Invitae), Labcorp); PubMed 27532257 (cited by Labcorp Genetics (formerly Invitae), Labcorp).